The following is an entry in ClinVar:

ClinVar aggregate classification (germline): Uncertain significance (1 of 4 stars; one submission).

Conditions:
Congenital myotonia, autosomal recessive form. Also called: BECKER DISEASE; Becker Generalized Myotonia; myotonia congenita, autosomal recessive. Identifiers: Orphanet 614, MedGen C0751360, MONDO:0009715, OMIM 255700.
Congenital myotonia, autosomal dominant form (THD). Also called: THOMSEN DISEASE; Myotonia congenita autosomal dominant. Identifiers: Orphanet 614, MedGen C2936781, MONDO:0008055, OMIM 160800.

Allele frequency attached by ClinVar (database versions not stated): gnomAD exomes below 0.00001; ExAC 0.00001.
gnomAD v4.1: 2 of 1,613,690 alleles (0.00012%); highest among the groups gnomAD compares: East Asian, 0.0022%; no homozygotes.

Submission:

Labcorp Genetics (formerly Invitae), Labcorp
Classification: Uncertain significance for Congenital myotonia, autosomal recessive form; Congenital myotonia, autosomal dominant form. Last evaluated: 2022-07-25. Review status: criteria provided, single submitter. Criteria: Invitae Variant Classification Sherloc (09022015). Collection method: clinical testing. Allele origin: germline.
Comment: This sequence change replaces asparagine, which is neutral and polar, with serine, which is neutral and polar, at codon 336 of the CLCN1 protein (p.Asn336Ser). This variant is present in population databases (rs776457257, gnomAD 0.006%). This variant has not been reported in the literature in individuals affected with CLCN1-related conditions. Algorithms developed to predict the effect of missense changes on protein structure and function are either unavailable or do not agree on the potential impact of this missense change (SIFT: "Deleterious"; PolyPhen-2: "Benign"; Align-GVGD: "Class C45"). In summary, the available evidence is currently insufficient to determine the role of this variant in disease. Therefore, it has been classified as a Variant of Uncertain Significance.

NM_000083.3(CLCN1):c.1007A>G (p.Asn336Ser)

Gene: CLCN1 (chloride voltage-gated channel 1; plus strand). Cytogenetic location: 7q34.
Variant type: single nucleotide variant.
Coding change: c.1007A>G on transcript NM_000083.3 (MANE Select); coding-DNA position 1007, A replaced by G.
Protein change: p.Asn336Ser; replaces asparagine 336 with serine.
Molecular consequence: missense variant. On other transcripts: non-coding transcript variant (1).
Genome position (GRCh38, 1-based): chr7:143,331,259, A>G. VCF-style: chr7-143331259-A-G. GRCh37 (hg19) VCF-style: chr7-143028352-A-G.
Other names: short protein forms N336S.
Identifiers: ClinVar variation 2158524 (VCV002158524.1), dbSNP rs776457257, ClinGen allele CA4537207.